The following is an entry in ClinVar:

NM_007294.4(BRCA1):c.5473G>T (p.Gly1825Trp)

Gene: BRCA1 (BRCA1 DNA repair associated; minus strand). Cytogenetic location: 17q21.31.
Variant type: single nucleotide variant.
Coding change: c.5473G>T on transcript NM_007294.4 (MANE Select); coding-DNA position 5473, G replaced by T.
Protein change: p.Gly1825Trp; replaces glycine 1825 with tryptophan.
Molecular consequence: missense variant. On other transcripts: non-coding transcript variant (1).
Genome position (GRCh38, 1-based): chr17:43,045,797, C>A on the plus strand (G>T on the coding strand, the complement: BRCA1 is on the minus strand). VCF-style: chr17-43045797-C-A. GRCh37 (hg19) VCF-style: chr17-41197814-C-A.
Other names: c.5332G>T, p.Gly1778Trp (NM_001407694.1, NM_001407695.1, NM_001407730.1 and 12 more transcripts); c.5329G>T, p.Gly1777Trp (NM_001407749.1, NM_001407750.1, NM_001407751.1 and 18 more transcripts); c.5326G>T, p.Gly1776Trp (NM_001407838.1, NM_001407839.1, NM_001407841.1 and 12 more transcripts); c.5260G>T, p.Gly1754Trp (NM_001407896.1, NM_001407897.1, NM_001407898.1 and 12 more transcripts); c.5399G>T, p.Trp1800Leu (NM_001407854.1); c.5396G>T, p.Trp1799Leu (NM_001407858.1, NM_001407859.1, NM_001407860.1); c.5393G>T, p.Trp1798Leu (NM_001407861.1); c.5272G>T, p.Gly1758Trp (NM_001407862.1); and 83 more; short protein forms G721W, G1778W, G1825W, G1846W, W696L, G1528W, G1735W, G1736W.
Identifiers: ClinVar variation 868568 (VCV000868568.3), dbSNP rs398122700, ClinGen allele CA10590386.

Conditions:
Breast-ovarian cancer, familial, susceptibility to, 1 (BROVCA1). Also called: BRCA1 Hereditary Breast and Ovarian Cancer; OVARIAN CANCER, SUSCEPTIBILITY TO. Identifiers: Orphanet 145, MedGen C2676676, MONDO:0011450, OMIM 604370. Disease mechanism: loss of function.

Submission:

Brotman Baty Institute, University of Washington
No classification provided (evidence only). Condition: Breast-ovarian cancer, familial 1. Review status: no classification provided. Collection method: in vitro. Allele origin: not applicable. Functional consequence: functionally_normal.
ClinVar note: "not provided" was previously submitted as the classification for the variant. However, the classification appeared to be based only on an observation of functional data so it was converted to no classification on 2025-07-30.